The following is an entry in ClinVar:

ClinVar aggregate classification (germline): Uncertain significance. Review status: criteria provided, multiple submitters, no conflicts (2 of 4 stars). 2 submissions from 2 submitters: Uncertain significance (2). Last evaluated 2023-02-16.

Conditions:
Inborn genetic diseases. Identifiers: MedGen C0950123, MeSH D030342.

Allele frequency attached by ClinVar (database versions not stated): gnomAD exomes below 0.00001; TOPMed 0.00001; gnomAD 0.00002.
gnomAD v4.1: 9 of 1,611,784 alleles (0.00056%); highest among the groups gnomAD compares: Non-Finnish European, 0.00068%; no homozygotes.

Submissions (2):

Ambry Genetics
Classification: Uncertain significance for Inborn genetic diseases. Last evaluated: 2023-02-16. Review status: criteria provided, single submitter. Criteria: Ambry Variant Classification Scheme 2023. Collection method: clinical testing. Allele origin: germline.

Labcorp Genetics (formerly Invitae), Labcorp
Classification: Uncertain significance. Last evaluated: 2022-01-06. Review status: criteria provided, single submitter. Criteria: Invitae Variant Classification Sherloc (09022015). Collection method: clinical testing. Allele origin: germline.
Comment: This sequence change replaces phenylalanine, which is neutral and non-polar, with valine, which is neutral and non-polar, at codon 4696 of the ADGRV1 protein (p.Phe4696Val). This variant is present in population databases (no rsID available, gnomAD 0.0008%). This variant has not been reported in the literature in individuals affected with ADGRV1-related conditions. Algorithms developed to predict the effect of missense changes on protein structure and function are either unavailable or do not agree on the potential impact of this missense change (SIFT: "Deleterious"; PolyPhen-2: "Possibly Damaging"; Align-GVGD: "Class C0"). In summary, the available evidence is currently insufficient to determine the role of this variant in disease. Therefore, it has been classified as a Variant of Uncertain Significance.

NM_032119.4(ADGRV1):c.14086T>G (p.Phe4696Val)

Gene: ADGRV1 (adhesion G protein-coupled receptor V1; plus strand). Cytogenetic location: 5q14.3.
Variant type: single nucleotide variant.
Coding change: c.14086T>G on transcript NM_032119.4 (MANE Select); coding-DNA position 14086, T replaced by G.
Protein change: p.Phe4696Val; replaces phenylalanine 4696 with valine.
Molecular consequence: missense variant. On other transcripts: non-coding transcript variant (1).
Genome position (GRCh38, 1-based): chr5:90,790,915, T>G. VCF-style: chr5-90790915-T-G. GRCh37 (hg19) VCF-style: chr5-90086732-T-G.
Other names: c.14086T>G (NM_032119.3); short protein forms F4696V.
Identifiers: ClinVar variation 2013222 (VCV002013222.3), dbSNP rs1409929471, ClinGen allele CA360399630.